The following is an entry in ClinVar:

ClinVar aggregate classification (germline): Uncertain significance (1 of 4 stars; one submission).

Allele frequency attached by ClinVar (database versions not stated): gnomAD exomes 0.00003; gnomAD 0.00005; TOPMed 0.00005.
gnomAD v4.1: 55 of 1,613,668 alleles (0.0034%); highest among the groups gnomAD compares: Non-Finnish European, 0.0043%; no homozygotes.

Submission:

CeGaT Center for Human Genetics Tuebingen
Classification: Uncertain significance. Last evaluated: 2026-05-01. Review status: criteria provided, single submitter. Criteria: CeGaT Center For Human Genetics Tuebingen Variant Classification Criteria Version 2. Collection method: clinical testing. Allele origin: germline. Affected: yes. Observed: 2 variant alleles.
Comment: DUOXA1: PM2, BP4

NM_001276266.2(DUOXA1):c.*1446C>T

Genes: DUOXA1 (dual oxidase maturation factor 1; minus strand), DUOXA2 (dual oxidase maturation factor 2; plus strand). Cytogenetic location: 15q21.1.
Variant type: single nucleotide variant.
Coding change: c.*1446C>T on transcript NM_001276266.2 (MANE Select); 1446 bases downstream of the stop codon, C replaced by T.
Molecular consequence: 3 prime UTR variant. On other transcripts: missense variant (3), intron variant (1).
Genome position (GRCh38, 1-based): chr15:45,117,660, G>A on the plus strand (C>T on the coding strand, the complement: DUOXA1 is on the minus strand). VCF-style: chr15-45117660-G-A. GRCh37 (hg19) VCF-style: chr15-45409858-G-A.
Other names: c.1307C>T, p.Pro436Leu (NM_001276264.2, NM_144565.4); c.1172C>T, p.Pro391Leu (NM_001276265.1); c.*1446C>T (NM_001276267.2, NM_001276268.2, NM_001384349.1); c.770-56G>A (NM_207581.4); short protein forms P391L, P436L.
Identifiers: ClinVar variation 2645291 (VCV002645291.24), dbSNP rs535825448, ClinGen allele CA270138894.